The following is an entry in ClinVar:

NM_005619.5(RTN2):c.1497+93C>G

Genes: OPA3-RTN2 (OPA3-RTN2 readthrough; minus strand), RTN2 (reticulon 2; minus strand). Cytogenetic location: 19q13.32.
Variant type: single nucleotide variant.
Coding change: c.1497+93C>G on transcript NM_005619.5 (MANE Select); 93 bases into the intron after coding-DNA position 1497, C replaced by G.
Molecular consequence: intron variant.
Genome position (GRCh38, 1-based): chr19:45,488,378, G>C on the plus strand (C>G on the coding strand, the complement: RTN2 is on the minus strand). VCF-style: chr19-45488378-G-C. GRCh37 (hg19) VCF-style: chr19-45991636-G-C.
Other names: c.1278+93C>G (NM_206900.3); c.477+93C>G (NM_206901.3).
Identifiers: ClinVar variation 670893 (VCV000670893.2), dbSNP rs1603, ClinGen allele CA14690627.

ClinVar aggregate classification (germline): Benign. Review status: criteria provided, multiple submitters, no conflicts (2 of 4 stars). 2 submissions from 2 submitters: Benign (2). Last evaluated 2018-06-14.

Allele frequency attached by ClinVar (database versions not stated): 1000 Genomes Project 30x 0.20066; 1000 Genomes Project 0.20188; TOPMed 0.20730.
gnomAD v4.1: 300,096 of 1,361,936 alleles (22%); highest among the groups gnomAD compares: East Asian, 29%; 34,918 homozygotes.

Submissions (2):

GeneDx
Classification: Benign. Last evaluated: 2018-06-14. Review status: criteria provided, single submitter. Criteria: GeneDx Variant Classification (06012015). Collection method: clinical testing. Allele origin: germline. Affected: yes.
Comment: This variant is considered likely benign or benign based on one or more of the following criteria: it is a conservative change, it occurs at a poorly conserved position in the protein, it is predicted to be benign by multiple in silico algorithms, and/or has population frequency not consistent with disease.

Breakthrough Genomics
Classification: Benign. Review status: criteria provided, single submitter. Criteria: ACMG Guidelines, 2015. Collection method: not provided. Allele origin: germline. Inheritance: Autosomal dominant inheritance. Affected: yes.